The following is an entry in ClinVar:

ClinVar aggregate classification (germline): Likely benign (0 of 4 stars; one submission).

Conditions:
TNPO1-related disorder. Also called: TNPO1-related condition.

Allele frequency attached by ClinVar (database versions not stated): ESP Exome Variant Server 0.00100; gnomAD 0.00100; TOPMed 0.00116; 1000 Genomes Project 0.00120; 1000 Genomes Project 30x 0.00172; ExAC 0.00030.
gnomAD v4.1: 279 of 1,613,282 alleles (0.017%); highest among the groups gnomAD compares: African/African-American, 0.34%; 3 homozygotes.

Submission:

PreventionGenetics, part of Exact Sciences
Classification: Likely benign for TNPO1-related condition. Last evaluated: 2019-10-28. Review status: no assertion criteria provided. Collection method: clinical testing. Allele origin: germline.
Comment: This variant is classified as likely benign based on ACMG/AMP sequence variant interpretation guidelines (Richards et al. 2015 PMID: 25741868, with internal and published modifications).

NM_002270.4(TNPO1):c.1599C>T (p.Thr533=)

Gene: TNPO1 (transportin 1; plus strand). Cytogenetic location: 5q13.2.
Variant type: single nucleotide variant.
Coding change: c.1599C>T on transcript NM_002270.4 (MANE Select); coding-DNA position 1599, C replaced by T.
Protein change: p.Thr533=; no amino-acid change (threonine 533 retained).
Molecular consequence: synonymous variant.
Genome position (GRCh38, 1-based): chr5:72,889,855, C>T. VCF-style: chr5-72889855-C-T. GRCh37 (hg19) VCF-style: chr5-72185682-C-T.
Other names: c.1575C>T, p.Thr525= (NM_001364292.3, NM_001364293.3, NM_001364294.3 and 1 more transcripts); c.1449C>T, p.Thr483= (NM_001364295.3).
Identifiers: ClinVar variation 3040821 (VCV003040821.2), dbSNP rs149437731, ClinGen allele CA3301570.
Genomic context (GRCh38, chr5:72,889,855, plus strand): 5'-TACCCTAGAAGAGGAGGCTTGTACAGAACTTGTTCCTTACCTTGCTTATATACTTGATAC[C>T]CTGGTCTTTGCATTTAGTAAATACCAGCATAAGAACCTGCTCATTCTTTACGATGCCATA-3'
Protein context (NP_002261.3, residues 523-543): LVPYLAYILD[Thr533=]LVFAFSKYQH